The following is an entry in ClinVar:

ClinVar aggregate classification (germline): Uncertain significance (1 of 4 stars; one submission).

Conditions:
Eichsfeld type congenital muscular dystrophy (CMYO3). Also called: MYOPATHY, SEPN1-RELATED; Rigid spine muscular dystrophy 1; SELENON-related myopathy; Congenital myopathy 3 with rigid spine. Identifiers: MedGen C0410180, MONDO:0100100, OMIM 602771.

Submission:

Labcorp Genetics (formerly Invitae), Labcorp
Classification: Uncertain significance for Eichsfeld type congenital muscular dystrophy. Last evaluated: 2022-11-01. Review status: criteria provided, single submitter. Criteria: Invitae Variant Classification Sherloc (09022015). Collection method: clinical testing. Allele origin: germline.
Comment: This sequence change replaces leucine, which is neutral and non-polar, with arginine, which is basic and polar, at codon 63 of the SELENON protein (p.Leu63Arg). This variant is not present in population databases (gnomAD no frequency). This variant has not been reported in the literature in individuals affected with SELENON-related conditions. ClinVar contains an entry for this variant (Variation ID: 572165). Advanced modeling of protein sequence and biophysical properties (such as structural, functional, and spatial information, amino acid conservation, physicochemical variation, residue mobility, and thermodynamic stability) performed at Invitae indicates that this missense variant is not expected to disrupt SELENON protein function. In summary, the available evidence is currently insufficient to determine the role of this variant in disease. Therefore, it has been classified as a Variant of Uncertain Significance.

NM_206926.2(SELENON):c.188T>G (p.Leu63Arg)

Gene: SELENON (selenoprotein N; plus strand). Cytogenetic location: 1p36.11.
Variant type: single nucleotide variant.
Coding change: c.188T>G on transcript NM_206926.2 (MANE Select); coding-DNA position 188, T replaced by G.
Protein change: p.Leu63Arg; replaces leucine 63 with arginine.
Molecular consequence: missense variant.
Genome position (GRCh38, 1-based): chr1:25,801,047, T>G. VCF-style: chr1-25801047-T-G. GRCh37 (hg19) VCF-style: chr1-26127538-T-G.
Other names: c.188T>G, p.Leu63Arg (NM_020451.3); short protein forms L63R.
Identifiers: ClinVar variation 572165 (VCV000572165.7), dbSNP rs1557814336, ClinGen allele CA339107141.